The following is an entry in ClinVar:

ClinVar aggregate classification (germline): Uncertain significance. Review status: criteria provided, multiple submitters, no conflicts (2 of 4 stars). 3 submissions from 3 submitters: Uncertain significance (3). Last evaluated 2025-06-10.

Conditions:
Inborn genetic diseases. Identifiers: MedGen C0950123, MeSH D030342.
Warburg micro syndrome 3 (WARBM3). Also called: MICRO SYNDROME 3. Identifiers: Orphanet 2510, MedGen C3280203, MONDO:0013638, OMIM 614222.

Allele frequency attached by ClinVar (database versions not stated): gnomAD exomes 0.00009; gnomAD 0.00006; ESP Exome Variant Server 0.00008; TOPMed 0.00009.

Submissions (3):

Mayo Clinic Laboratories, Mayo Clinic
Classification: Uncertain significance. Last evaluated: 2025-06-10. Review status: criteria provided, single submitter. Criteria: ACMG Guidelines, 2015. Collection method: clinical testing. Allele origin: germline. Observed: 3 variant alleles.
Comment: PP3

Ambry Genetics
Classification: Uncertain significance for Inborn genetic diseases. Last evaluated: 2021-06-25. Review status: criteria provided, single submitter. Criteria: Ambry Variant Classification Scheme 2023. Collection method: clinical testing. Allele origin: germline.

Illumina Laboratory Services, Illumina
Classification: Uncertain significance for Warburg micro syndrome 3. Last evaluated: 2018-01-13. Review status: criteria provided, single submitter. Criteria: ICSL Variant Classification Criteria 13 December 2019. Collection method: clinical testing. Allele origin: germline.

NM_021252.5(RAB18):c.394G>T (p.Asp132Tyr)

Gene: RAB18 (RAB18, member RAS oncogene family; plus strand). Cytogenetic location: 10p12.1.
Variant type: single nucleotide variant.
Coding change: c.394G>T on transcript NM_021252.5 (MANE Select); coding-DNA position 394, G replaced by T.
Protein change: p.Asp132Tyr; replaces aspartic acid 132 with tyrosine.
Molecular consequence: missense variant. On other transcripts: non-coding transcript variant (1), intron variant (1).
Genome position (GRCh38, 1-based): chr10:27,533,943, G>T. VCF-style: chr10-27533943-G-T. GRCh37 (hg19) VCF-style: chr10-27822872-G-T.
Other names: p.Asp132Tyr; c.481G>T, p.Asp161Tyr (NM_001256410.2); c.202G>T, p.Asp68Tyr (NM_001256412.2); c.378+90G>T (NM_001256411.2); c.394G>T (NM_021252.3); short protein forms D132Y, D161Y, D68Y.
Identifiers: ClinVar variation 299819 (VCV000299819.9), dbSNP rs190213580, ClinGen allele CA5452391.